The following is an entry in ClinVar:

NM_001035.3(RYR2):c.14310C>A (p.Thr4770=)

Gene: RYR2 (ryanodine receptor 2; plus strand). Cytogenetic location: 1q43.
Variant type: single nucleotide variant.
Coding change: c.14310C>A on transcript NM_001035.3 (MANE Select); coding-DNA position 14310, C replaced by A.
Protein change: p.Thr4770=; no amino-acid change (threonine 4770 retained).
Molecular consequence: synonymous variant.
Genome position (GRCh38, 1-based): chr1:237,808,912, C>A. VCF-style: chr1-237808912-C-A. GRCh37 (hg19) VCF-style: chr1-237972212-C-A.
Other names: c.14310C>A (NM_001035.2).
Identifiers: ClinVar variation 3072365 (VCV003072365.2), dbSNP rs372967537, ClinGen allele CA39843957.

ClinVar aggregate classification (germline): Conflicting classifications of pathogenicity. Review status: criteria provided, conflicting classifications (1 of 4 stars). 2 submissions from 2 submitters: Uncertain significance (1); Likely benign (1). Last evaluated 2024-03-22.

Conditions:
Cardiovascular phenotype. Identifiers: MedGen CN230736.
Catecholaminergic polymorphic ventricular tachycardia (CVPT). Also called: Catecholamine-induced polymorphic ventricular tachycardia. Identifiers: Orphanet 3286, MedGen C5574922, MONDO:0017990.

gnomAD v4.1: 5 of 1,613,468 alleles (0.00031%); highest among the groups gnomAD compares: African/African-American, 0.0027%; no homozygotes.

Submissions (2):

Ambry Genetics
Classification: Likely benign for Cardiovascular phenotype. Last evaluated: 2024-03-22. Review status: criteria provided, single submitter. Criteria: Ambry Variant Classification Scheme 2023. Collection method: clinical testing. Allele origin: germline.

All of Us Research Program, National Institutes of Health
Classification: Uncertain significance for Catecholaminergic polymorphic ventricular tachycardia. Last evaluated: 2023-07-10. Review status: criteria provided, single submitter. Criteria: ACMG Guidelines, 2015. Collection method: clinical testing. Allele origin: germline. Inheritance: Autosomal dominant inheritance. Observed: 1 variant allele, 1 heterozygote.
Comment: This variant is located in the RYR2 protein. To our knowledge, functional studies have not been reported for this variant. This variant has not been reported in individuals affected with RYR2-related disorders in the literature. This variant has been identified in 1/249224 chromosomes in the general population by the Genome Aggregation Database (gnomAD). The available evidence is insufficient to determine the role of this variant in disease conclusively. Therefore, this variant is classified as a Variant of Uncertain Significance.

This study involves interpretation of variants in research participants for the purpose of population health screening. Participant phenotype was not available at the time of variant classification. Additional details can be found in publication PMID: 35346344, PMCID: PMC8962531